The following is an entry in ClinVar:

NM_207111.4(RNF216):c.202-13_202-9del

Gene: RNF216 (ring finger protein 216; minus strand). Cytogenetic location: 7p22.1.
Variant type: Deletion.
Coding change: c.202-13_202-9del on transcript NM_207111.4 (MANE Select); 13 bases into the intron before coding-DNA position 202 through 9 bases into the intron before coding-DNA position 202, 5 bases deleted (CATTT; older notation c.202-13_202-9delCATTT).
Molecular consequence: intron variant.
Genome position (GRCh38, 1-based): chr7:5,741,824-5,741,828, AAATG deleted on the plus strand (CATTT on the coding strand, the reverse complement: RNF216 is on the minus strand); deleting any 5 consecutive bases within chr7:5,741,824-5,741,832 gives the same sequence; the c. name uses the placement nearest the transcript's 3' end. VCF-style (leftmost placement, unchanged base first): chr7-5741823-AAAATG-A. GRCh37 (hg19) VCF-style: chr7-5781454-AAAATG-A.
Other names: c.202-13_202-9del5 (NM_207111.3); c.202-184_202-180del (NM_207116.3, NM_001377156.1).
Identifiers: ClinVar variation 1570628 (VCV001570628.11), dbSNP rs749862881, ClinGen allele CA4148600.

ClinVar aggregate classification (germline): Likely benign. Review status: criteria provided, multiple submitters, no conflicts (2 of 4 stars). 3 submissions from 3 submitters: Likely benign (2). 1 of the submissions does not count toward it. Last evaluated 2026-01-12.

Conditions:
RNF216-related disorder. Also called: RNF216-related condition.

Submissions (3):

Labcorp Genetics (formerly Invitae), Labcorp
Classification: Likely benign. Last evaluated: 2026-01-12. Review status: criteria provided, single submitter. Criteria: Invitae Variant Classification Sherloc (09022015). Collection method: clinical testing. Allele origin: germline.

Blueprint Genetics
Classification: Likely benign. Last evaluated: 2024-11-21. Review status: criteria provided, single submitter. Criteria: ACMG Guidelines, 2015. Collection method: clinical testing. Allele origin: germline.

PreventionGenetics, part of Exact Sciences
Classification: Likely benign for RNF216-related condition. Last evaluated: 2019-04-09. Review status: no assertion criteria provided. Collection method: clinical testing. Allele origin: germline. Not counted in ClinVar's aggregate classification.
Comment: This variant is classified as likely benign based on ACMG/AMP sequence variant interpretation guidelines (Richards et al. 2015 PMID: 25741868, with internal and published modifications).